The following is an entry in ClinVar:

ClinVar aggregate classification (germline): Uncertain significance (1 of 4 stars; one submission).

Conditions:
Idiopathic Pulmonary Fibrosis. Also called: Idiopathic fibrosing alveolitis, chronic form; idiopathic fibrosing alveolitis. Identifiers: Orphanet 2032, MedGen C1800706, MeSH D054990, MONDO:0800504.
Dyskeratosis congenita, autosomal dominant 2. Identifiers: MedGen C3151443, MONDO:0013521, OMIM 613989.

Allele frequency attached by ClinVar (database versions not stated): gnomAD exomes 0.00001.
gnomAD v4.1: 7 of 1,613,894 alleles (0.00043%); highest among the groups gnomAD compares: Non-Finnish European, 0.00059%; no homozygotes.

Submission:

Labcorp Genetics (formerly Invitae), Labcorp
Classification: Uncertain significance for Dyskeratosis congenita, autosomal dominant 2; Idiopathic Pulmonary Fibrosis. Last evaluated: 2022-12-29. Review status: criteria provided, single submitter. Criteria: Invitae Variant Classification Sherloc (09022015). Collection method: clinical testing. Allele origin: germline.
Comment: This sequence change falls in intron 6 of the TERT gene. It does not directly change the encoded amino acid sequence of the TERT protein. It affects a nucleotide within the consensus splice site. This variant is not present in population databases (gnomAD no frequency). This variant has not been reported in the literature in individuals affected with TERT-related conditions. ClinVar contains an entry for this variant (Variation ID: 1034641). Variants that disrupt the consensus splice site are a relatively common cause of aberrant splicing (PMID: 17576681, 9536098). Algorithms developed to predict the effect of sequence changes on RNA splicing suggest that this variant is not likely to affect RNA splicing. In summary, the available evidence is currently insufficient to determine the role of this variant in disease. Therefore, it has been classified as a Variant of Uncertain Significance.

Literature cited by the submitters: PubMed 17576681; PubMed 9536098.

NM_198253.3(TERT):c.2286+6G>T

Gene: TERT (telomerase reverse transcriptase; minus strand). Cytogenetic location: 5p15.33.
Variant type: single nucleotide variant.
Coding change: c.2286+6G>T on transcript NM_198253.3 (MANE Select); 6 bases into the intron after coding-DNA position 2286, G replaced by T.
Molecular consequence: intron variant.
Genome position (GRCh38, 1-based): chr5:1,278,635, C>A on the plus strand (G>T on the coding strand, the complement: TERT is on the minus strand). VCF-style: chr5-1278635-C-A. GRCh37 (hg19) VCF-style: chr5-1278750-C-A.
Other names: c.2286+6G>T (NM_001193376.3).
Identifiers: ClinVar variation 1034641 (VCV001034641.7), dbSNP rs1749779984, ClinGen allele CA1522564398.